The following is an entry in ClinVar:

NM_018670.4(MESP1):c.332C>A (p.Pro111Gln)

Genes: MESP1 (mesoderm posterior bHLH transcription factor 1; minus strand), LOC130057889 (ATAC-STARR-seq lymphoblastoid silent region 6804; plus strand). Cytogenetic location: 15q26.1.
Variant type: single nucleotide variant.
Coding change: c.332C>A on transcript NM_018670.4 (MANE Select); coding-DNA position 332, C replaced by A.
Protein change: p.Pro111Gln; replaces proline 111 with glutamine.
Molecular consequence: missense variant.
Genome position (GRCh38, 1-based): chr15:89,750,900, G>T on the plus strand (C>A on the coding strand, the complement: MESP1 is on the minus strand). VCF-style: chr15-89750900-G-T. GRCh37 (hg19) VCF-style: chr15-90294131-G-T.
Other names: short protein forms P111Q.
Identifiers: ClinVar variation 2174802 (VCV002174802.4), dbSNP rs569895127, ClinGen allele CA7730235.

ClinVar aggregate classification (germline): Uncertain significance (1 of 4 stars; one submission).

gnomAD v4.1: 15 of 1,491,422 alleles (0.001%); highest among the groups gnomAD compares: African/African-American, 0.017%; no homozygotes.

Submission:

Labcorp Genetics (formerly Invitae), Labcorp
Classification: Uncertain significance. Last evaluated: 2022-07-11. Review status: criteria provided, single submitter. Criteria: Invitae Variant Classification Sherloc (09022015). Collection method: clinical testing. Allele origin: germline.
Comment: In summary, the available evidence is currently insufficient to determine the role of this variant in disease. Therefore, it has been classified as a Variant of Uncertain Significance. Algorithms developed to predict the effect of sequence changes on RNA splicing suggest that this variant may create or strengthen a splice site. Algorithms developed to predict the effect of missense changes on protein structure and function (SIFT, PolyPhen-2, Align-GVGD) all suggest that this variant is likely to be disruptive. This variant has not been reported in the literature in individuals affected with MESP1-related conditions. The frequency data for this variant in the population databases is considered unreliable, as metrics indicate poor data quality at this position in the gnomAD database. This sequence change replaces proline, which is neutral and non-polar, with glutamine, which is neutral and polar, at codon 111 of the MESP1 protein (p.Pro111Gln).